The following is an entry in ClinVar:

NM_130837.3(OPA1):c.851A>G (p.Tyr284Cys)

Gene: OPA1 (OPA1 mitochondrial dynamin like GTPase; plus strand). Cytogenetic location: 3q29.
Variant type: single nucleotide variant.
Coding change: c.851A>G on transcript NM_130837.3 (MANE Select); coding-DNA position 851, A replaced by G.
Protein change: p.Tyr284Cys; replaces tyrosine 284 with cysteine.
Molecular consequence: missense variant.
Genome position (GRCh38, 1-based): chr3:193,635,425, A>G. VCF-style: chr3-193635425-A-G. GRCh37 (hg19) VCF-style: chr3-193353214-A-G.
Other names: c.317A>G, p.Tyr106Cys (NM_001354663.2); c.314A>G, p.Tyr105Cys (NM_001354664.2); c.686A>G, p.Tyr229Cys (NM_015560.3); c.578A>G, p.Tyr193Cys (NM_130831.3); c.632A>G, p.Tyr211Cys (NM_130832.3); c.689A>G, p.Tyr230Cys (NM_130833.3); c.740A>G, p.Tyr247Cys (NM_130834.3); c.743A>G, p.Tyr248Cys (NM_130835.3); and 1 more; short protein forms Y229C, Y105C, Y106C, Y248C, Y193C, Y211C, Y230C, Y247C.
Identifiers: ClinVar variation 902455 (VCV000902455.6), dbSNP rs760177302, ClinGen allele CA2759199.

ClinVar aggregate classification (germline): Uncertain significance. Review status: criteria provided, multiple submitters, no conflicts (2 of 4 stars). 2 submissions from 2 submitters: Uncertain significance (2). Last evaluated 2024-07-03.

Conditions:
Autosomal dominant optic atrophy classic form (OPA1). Also called: OPTIC ATROPHY, JUVENILE; KJER-TYPE OPTIC ATROPHY; Optic Atrophy Type 1. Identifiers: Orphanet 98673, MedGen C0338508, MONDO:0008134, OMIM 165500.

Allele frequency attached by ClinVar (database versions not stated): gnomAD 0.00001; TOPMed 0.00001.
gnomAD v4.1: 7 of 1,584,250 alleles (0.00044%); highest among the groups gnomAD compares: African/African-American, 0.0027%; no homozygotes.

Submissions (2):

Labcorp Genetics (formerly Invitae), Labcorp
Classification: Uncertain significance. Last evaluated: 2024-07-03. Review status: criteria provided, single submitter. Criteria: Invitae Variant Classification Sherloc (09022015). Collection method: clinical testing. Allele origin: germline.
Comment: This sequence change replaces tyrosine, which is neutral and polar, with cysteine, which is neutral and slightly polar, at codon 229 of the OPA1 protein (p.Tyr229Cys). This variant is present in population databases (rs760177302, gnomAD 0.007%). This variant has not been reported in the literature in individuals affected with OPA1-related conditions. ClinVar contains an entry for this variant (Variation ID: 902455). Advanced modeling of protein sequence and biophysical properties (such as structural, functional, and spatial information, amino acid conservation, physicochemical variation, residue mobility, and thermodynamic stability) performed at Invitae indicates that this missense variant is expected to disrupt OPA1 protein function with a positive predictive value of 80%. In summary, the available evidence is currently insufficient to determine the role of this variant in disease. Therefore, it has been classified as a Variant of Uncertain Significance.

Illumina Laboratory Services, Illumina
Classification: Uncertain significance for Autosomal dominant optic atrophy classic form. Last evaluated: 2018-01-13. Review status: criteria provided, single submitter. Criteria: ICSL Variant Classification Criteria 13 December 2019. Collection method: clinical testing. Allele origin: germline.